The following is an entry in ClinVar:

ClinVar aggregate classification (germline): Uncertain significance (1 of 4 stars; one submission).

Conditions:
Inborn genetic diseases. Identifiers: MedGen C0950123, MeSH D030342.

Submission:

Ambry Genetics
Classification: Uncertain significance for Inborn genetic diseases. Last evaluated: 2026-04-06. Review status: criteria provided, single submitter. Criteria: Ambry Variant Classification Scheme 2023. Collection method: clinical testing. Allele origin: germline.
Comment: The c.848T>C (p.L283S) alteration is located in exon 9 (coding exon 8) of the CNOT2 gene. This alteration results from a T to C substitution at nucleotide position 848, causing the leucine (L) at amino acid position 283 to be replaced by a serine (S). This variant was not reported in population-based cohorts in the Genome Aggregation Database (gnomAD). This amino acid position is highly conserved in available vertebrate species. This alteration is predicted to be deleterious by in silico analysis. Based on insufficient or conflicting evidence, the clinical significance of this alteration remains unclear.

NM_014515.7(CNOT2):c.848T>C (p.Leu283Ser)

Gene: CNOT2 (CCR4-NOT transcription complex subunit 2; plus strand). Cytogenetic location: 12q15.
Variant type: single nucleotide variant.
Coding change: c.848T>C on transcript NM_014515.7 (MANE Select); coding-DNA position 848, T replaced by C.
Protein change: p.Leu283Ser; replaces leucine 283 with serine.
Molecular consequence: missense variant. On other transcripts: non-coding transcript variant (1).
Genome position (GRCh38, 1-based): chr12:70,337,461, T>C. VCF-style: chr12-70337461-T-C. GRCh37 (hg19) VCF-style: chr12-70731241-T-C.
Other names: c.788T>C, p.Leu263Ser (NM_001414660.1, NM_001414657.1, NM_001414658.1 and 1 more transcripts); c.725T>C, p.Leu242Ser (NM_001414661.1); c.665T>C, p.Leu222Ser (NM_001414662.1); c.848T>C, p.Leu283Ser (NM_001199303.2, NM_001414651.1, NM_001414652.1 and 1 more transcripts); c.821T>C, p.Leu274Ser (NM_001414653.1, NM_001414654.1, NM_001414655.1); c.806T>C, p.Leu269Ser (NM_001414656.1); short protein forms L222S, L242S, L263S, L269S, L274S, L283S.
Identifiers: ClinVar variation 4869050 (VCV004869050.1).